The following is an entry in ClinVar:

ClinVar aggregate classification (germline): Uncertain significance. Review status: criteria provided, single submitter (1 of 4 stars). 2 submissions from 2 submitters: Uncertain significance (1). 1 of the submissions does not count toward it. Last evaluated 2024-11-11.

Conditions:
Propionic acidemia (PROP). Also called: GLYCINEMIA, KETOTIC; HYPERGLYCINEMIA WITH KETOACIDOSIS AND LEUKOPENIA; KETOTIC HYPERGLYCINEMIA. Identifiers: Orphanet 35, MedGen C0268579, MONDO:0011628, OMIM 606054, HP:0003571.

Allele frequency attached by ClinVar (database versions not stated): gnomAD exomes 0.00001.
gnomAD v4.1: 5 of 1,614,150 alleles (0.00031%); highest among the groups gnomAD compares: Non-Finnish European, 0.00042%; no homozygotes.

Submissions (2):

Women's Health and Genetics/Laboratory Corporation of America, LabCorp
Classification: Uncertain significance. Last evaluated: 2024-11-11. Review status: criteria provided, single submitter. Criteria: LabCorp Variant Classification Summary - May 2015. Collection method: clinical testing. Allele origin: germline.
Comment: Variant summary: PCCA c.869G>A (p.Cys290Tyr) results in a non-conservative amino acid change located in the biotin carboxylation domain (IPR011764) of the encoded protein sequence. Five of five in-silico tools predict a damaging effect of the variant on protein function. The variant was absent in 251316 control chromosomes (gnomAD). c.869G>A has been reported in the literature in at least an individual affected with propionic acidemia (examples: Kiykim_2021, Liu_2022). These data indicate that the variant may be associated with disease. To our knowledge, no experimental evidence demonstrating an impact on protein function has been reported. The following publications have been ascertained in the context of this evaluation (PMID: 33552909, 35331292). ClinVar contains an entry for this variant (Variation ID: 638026). Based on the evidence outlined above, the variant was classified as VUS-possibly pathogenic.

Laboratory of Metabolic Disorders, Peking University First Hospital
Classification: Likely pathogenic for Propionic acidemia. Last evaluated: 2019-05-08. Review status: no assertion criteria provided. Collection method: clinical testing. Allele origin: inherited. Affected: yes. Not counted in ClinVar's aggregate classification.

Literature cited by the submitters: PubMed 35331292 (cited by Women's Health and Genetics/Laboratory Corporation of America, LabCorp); PubMed 33552909 (cited by Women's Health and Genetics/Laboratory Corporation of America, LabCorp).

NM_000282.4(PCCA):c.869G>A (p.Cys290Tyr)

Gene: PCCA (propionyl-CoA carboxylase subunit alpha; plus strand). Cytogenetic location: 13q32.3.
Variant type: single nucleotide variant.
Coding change: c.869G>A on transcript NM_000282.4 (MANE Select); coding-DNA position 869, G replaced by A.
Protein change: p.Cys290Tyr; replaces cysteine 290 with tyrosine.
Molecular consequence: missense variant. On other transcripts: 5 prime UTR variant (3), non-coding transcript variant (5).
Genome position (GRCh38, 1-based): chr13:100,268,738, G>A. VCF-style: chr13-100268738-G-A. GRCh37 (hg19) VCF-style: chr13-100920992-G-A.
Other names: c.791G>A, p.Cys264Tyr (NM_001127692.3, NM_001352607.2, NM_001352608.2); c.869G>A, p.Cys290Tyr (NM_001178004.2, NM_001352605.2, NM_001352606.2 and 1 more transcripts); c.-77G>A (NM_001352610.2, NM_001352611.2, NM_001352612.2); short protein forms C290Y, C264Y.
Identifiers: ClinVar variation 638026 (VCV000638026.3), dbSNP rs1595032920, ClinGen allele CA388694555.